The following is an entry in ClinVar:

NM_021922.3(FANCE):c.1297G>A (p.Ala433Thr)

Gene: FANCE (FA complementation group E; plus strand). Cytogenetic location: 6p21.31.
Variant type: single nucleotide variant.
Coding change: c.1297G>A on transcript NM_021922.3 (MANE Select); coding-DNA position 1297, G replaced by A.
Protein change: p.Ala433Thr; replaces alanine 433 with threonine.
Molecular consequence: missense variant.
Genome position (GRCh38, 1-based): chr6:35,459,741, G>A. VCF-style: chr6-35459741-G-A. GRCh37 (hg19) VCF-style: chr6-35427518-G-A.
Other names: c.1297G>A, p.Ala433Thr (NM_001410876.1); short protein forms A433T.
Identifiers: ClinVar variation 1949867 (VCV001949867.5), dbSNP rs2533681014, ClinGen allele CA363777230.

ClinVar aggregate classification (germline): Uncertain significance (1 of 4 stars; one submission).

Conditions:
Fanconi anemia complementation group E (FANCE). Also called: FANCE-Related Fanconi Anemia. Identifiers: Orphanet 84, MedGen C3160739, MONDO:0010953, OMIM 600901.

Submission:

Labcorp Genetics (formerly Invitae), Labcorp
Classification: Uncertain significance for Fanconi anemia complementation group E. Last evaluated: 2022-07-17. Review status: criteria provided, single submitter. Criteria: Invitae Variant Classification Sherloc (09022015). Collection method: clinical testing. Allele origin: germline.
Comment: Algorithms developed to predict the effect of missense changes on protein structure and function output the following: SIFT: "Tolerated"; PolyPhen-2: "Benign"; Align-GVGD: "Class C0". The threonine amino acid residue is found in multiple mammalian species, which suggests that this missense change does not adversely affect protein function. In summary, the available evidence is currently insufficient to determine the role of this variant in disease. Therefore, it has been classified as a Variant of Uncertain Significance. This variant has not been reported in the literature in individuals affected with FANCE-related conditions. This sequence change replaces alanine, which is neutral and non-polar, with threonine, which is neutral and polar, at codon 433 of the FANCE protein (p.Ala433Thr). This variant is not present in population databases (gnomAD no frequency).